The following is an entry in ClinVar:

NM_001430.5(EPAS1):c.1569G>T (p.Glu523Asp)

Gene: EPAS1 (endothelial PAS domain protein 1; plus strand). Cytogenetic location: 2p21.
Variant type: single nucleotide variant.
Coding change: c.1569G>T on transcript NM_001430.5 (MANE Select); coding-DNA position 1569, G replaced by T.
Protein change: p.Glu523Asp; replaces glutamic acid 523 with aspartic acid.
Molecular consequence: missense variant.
Genome position (GRCh38, 1-based): chr2:46,380,241, G>T. VCF-style: chr2-46380241-G-T. GRCh37 (hg19) VCF-style: chr2-46607380-G-T.
Other names: short protein forms E523D.
Identifiers: ClinVar variation 1775454 (VCV001775454.2), dbSNP rs1027304939, ClinGen allele CA46566243.

ClinVar aggregate classification (germline): Uncertain significance (1 of 4 stars; one submission).

Conditions:
Inborn genetic diseases. Identifiers: MedGen C0950123, MeSH D030342.

Allele frequency attached by ClinVar (database versions not stated): TOPMed 0.00003.
gnomAD v4.1: 3 of 1,612,046 alleles (0.00019%); highest among the groups gnomAD compares: African/African-American, 0.004%; no homozygotes.

Submission:

Ambry Genetics
Classification: Uncertain significance for Inborn genetic diseases. Last evaluated: 2024-01-19. Review status: criteria provided, single submitter. Criteria: Ambry Variant Classification Scheme 2023. Collection method: clinical testing. Allele origin: germline.
Comment: The p.E523D variant (also known as c.1569G>T), located in coding exon 12 of the EPAS1 gene, results from a G to T substitution at nucleotide position 1569. The glutamic acid at codon 523 is replaced by aspartic acid, an amino acid with highly similar properties. This amino acid position is conserved. In addition, this alteration is predicted to be tolerated by in silico analysis. Since supporting evidence is limited at this time, the clinical significance of this alteration remains unclear.